The following is an entry in ClinVar:

NM_000346.4(SOX9):c.1079dup (p.Gln361fs)

Gene: SOX9 (SRY-box transcription factor 9; plus strand). Cytogenetic location: 17q24.3.
Variant type: Duplication.
Coding change: c.1079dup on transcript NM_000346.4 (MANE Select); coding-DNA position 1079, one base duplicated (C; older notation c.1079dupC).
Protein change: p.Gln361fs; shifts the reading frame from glutamine 361.
Molecular consequence: frameshift variant.
Genome position (GRCh38, 1-based): chr17:72,123,936, C duplicated; the last of 5 consecutive C bases (chr17:72,123,932-72,123,936); duplicating any one gives the same sequence. VCF-style (leftmost placement, unchanged base first): chr17-72123931-G-GC. GRCh37 (hg19) VCF-style: chr17-70120072-G-GC.
Other names: short protein forms Q361fs.
Identifiers: ClinVar variation 3773839 (VCV003773839.1).

ClinVar aggregate classification (germline): Likely pathogenic (1 of 4 stars; one submission).

Conditions:
Camptomelic dysplasia (CMPD). Also called: Campomelic Dysplasia; CMPD1/SRA1. Identifiers: Orphanet 140, MedGen C1861922, MONDO:0007251, OMIM 114290.

Submission:

Rady Children's Institute for Genomic Medicine, Rady Children's Hospital San Diego
Classification: Likely pathogenic for CAMPOMELIC DYSPLASIA. Last evaluated: 2024-09-03. Review status: criteria provided, single submitter. Criteria: ACMG Guidelines, 2015. Collection method: clinical testing. Allele origin: germline. Affected: yes.
Comment: This frameshifting variant is found in the last exon of SOX9, therefore the resulting mRNA is predicted to escape nonsense-mediated decay. This frameshifting variant is predicted to alter the last 149 amino acids of the SOX9 protein and extend the protein by 67 amino acids. Although the c.1079dup (p.Gln361AlafsTer217) variant has not been previously reported or functionally characterized in the literature to our knowledge, different frameshifting SOX9 variants that affect the C-terminal region of SOX9 and result in protein extension have been previously described in individuals with campomelic dysplasia (PMID: 26631621, 11223854). This variant The c.1079dup (p.Gln361AlafsTer217) variant is absent from the latest version of the gnomAD population database and thus is presumed to be rare. Based on parental analysis, this variant likely occurred as a de novo event. Based on the available evidence, c.1079dup (p.Gln361AlafsTer217) is classified as Likely Pathogenic.